The following is an entry in ClinVar:

NM_002661.5(PLCG2):c.1855G>A (p.Glu619Lys)

Gene: PLCG2 (phospholipase C gamma 2; plus strand). Cytogenetic location: 16q23.3.
Variant type: single nucleotide variant.
Coding change: c.1855G>A on transcript NM_002661.5 (MANE Select); coding-DNA position 1855, G replaced by A.
Protein change: p.Glu619Lys; replaces glutamic acid 619 with lysine.
Molecular consequence: missense variant.
Genome position (GRCh38, 1-based): chr16:81,910,641, G>A. VCF-style: chr16-81910641-G-A. GRCh37 (hg19) VCF-style: chr16-81944246-G-A.
Other names: short protein forms E619K.
Identifiers: ClinVar variation 1314494 (VCV001314494.25), dbSNP rs763166039, ClinGen allele CA8193957.

ClinVar aggregate classification (germline): Conflicting classifications of pathogenicity. Review status: criteria provided, conflicting classifications (1 of 4 stars). 3 submissions from 3 submitters: Uncertain significance (2); Likely benign (1). Last evaluated 2023-12-01.

Conditions:
Familial cold autoinflammatory syndrome 3 (FCAS3). Also called: ANTIBODY DEFICIENCY AND IMMUNE DYSREGULATION, PLCG2-ASSOCIATED; FAMILIAL ATYPICAL COLD URTICARIA. Identifiers: Orphanet 300359, MedGen C3280914, MONDO:0013766, OMIM 614468.
Autoinflammation-PLCG2-associated antibody deficiency-immune dysregulation. Also called: Autoinflammation, antibody deficiency, and immune dysregulation, plcg2-associated; AUTOINFLAMMATION, ANTIBODY DEFICIENCY, AND IMMUNE DYSREGULATION; Autoinflammation, antibody deficiency, and immune dysregulation syndrome. Identifiers: Orphanet 324530, MedGen C3553961, MONDO:0013944, OMIM 614878.

Allele frequency attached by ClinVar (database versions not stated): gnomAD exomes below 0.00001 and 0.00001; gnomAD 0.00001; ExAC 0.00002; TOPMed 0.00002.
gnomAD v4.1: 19 of 1,613,832 alleles (0.0012%); highest among the groups gnomAD compares: Non-Finnish European, 0.0016%; no homozygotes.

Submissions (3):

CeGaT Center for Human Genetics Tuebingen
Classification: Likely benign. Last evaluated: 2023-12-01. Review status: criteria provided, single submitter. Criteria: CeGaT Center For Human Genetics Tuebingen Variant Classification Criteria Version 2. Collection method: clinical testing. Allele origin: germline. Affected: yes. Observed: 1 variant allele.
Comment: PLCG2: BS2

Fulgent Genetics
Classification: Uncertain significance for Familial cold autoinflammatory syndrome 3; Autoinflammation-PLCG2-associated antibody deficiency-immune dysregulation. Last evaluated: 2022-02-12. Review status: criteria provided, single submitter. Criteria: ACMG Guidelines, 2015. Collection method: clinical testing. Allele origin: unknown.

GeneDx
Classification: Uncertain significance. Last evaluated: 2020-01-21. Review status: criteria provided, single submitter. Criteria: GeneDx Variant Classification Process June 2021. Collection method: clinical testing. Allele origin: germline. Affected: yes.
Comment: In silico analysis, which includes protein predictors and evolutionary conservation, supports that this variant does not alter protein structure/function; Has not been previously published as pathogenic or benign to our knowledge